The following is an entry in ClinVar:

NM_001385012.1(NBEA):c.6244G>T (p.Val2082Phe)

Gene: NBEA (neurobeachin; plus strand). Cytogenetic location: 13q13.3.
Variant type: single nucleotide variant.
Coding change: c.6244G>T on transcript NM_001385012.1 (MANE Select); coding-DNA position 6244, G replaced by T.
Protein change: p.Val2082Phe; replaces valine 2082 with phenylalanine.
Molecular consequence: missense variant.
Genome position (GRCh38, 1-based): chr13:35,432,333, G>T. VCF-style: chr13-35432333-G-T. GRCh37 (hg19) VCF-style: chr13-36006470-G-T.
Other names: c.6235G>T, p.Val2079Phe (NM_001379245.1); c.6244G>T, p.Val2082Phe (NM_015678.5); short protein forms V2079F, V2082F.
Identifiers: ClinVar variation 2573673 (VCV002573673.1), dbSNP rs2549536894, ClinGen allele CA387981037.
Genomic context (GRCh38, chr13:35,432,333, plus strand): 5'-TTGCATGATTTCTGGCGTTTGGATTACTGGGAAGATGATCTTCGTCGAAGGAGACGATTT[G>T]TTCGCAATGCATTTGGCTCCACTCATGCTGAAGCATTGCTGAAAGCTGCAATAGAATATG-3'
Protein context (NP_001371941.1, residues 2072-2092): EDDLRRRRRF[Val2082Phe]RNAFGSTHAE

ClinVar aggregate classification (germline): Uncertain significance (1 of 4 stars; one submission).

Submission:

GeneDx
Classification: Uncertain significance. Last evaluated: 2023-01-18. Review status: criteria provided, single submitter. Criteria: GeneDx Variant Classification Process June 2021. Collection method: clinical testing. Allele origin: germline. Affected: yes.
Comment: Not observed at significant frequency in large population cohorts (gnomAD); In silico analysis supports that this missense variant has a deleterious effect on protein structure/function; Has not been previously published as pathogenic or benign to our knowledge